The following is an entry in ClinVar:

ClinVar aggregate classification (germline): Pathogenic (1 of 4 stars; one submission).

Conditions:
Very long chain acyl-CoA dehydrogenase deficiency (ACADVLD). Also called: VLCAD Deficiency; Very Long-Chain Acyl-Coenzyme A Dehydrogenase Deficiency. Identifiers: Orphanet 26793, MedGen C3887523, MONDO:0008723, OMIM 201475.

Submission:

Labcorp Genetics (formerly Invitae), Labcorp
Classification: Pathogenic for Very long chain acyl-CoA dehydrogenase deficiency. Last evaluated: 2021-06-08. Review status: criteria provided, single submitter. Criteria: Invitae Variant Classification Sherloc (09022015). Collection method: clinical testing. Allele origin: germline.
Comment: This sequence change creates a premature translational stop signal (p.Val580Glyfs*6) in the ACADVL gene. It is expected to result in an absent or disrupted protein product. Loss-of-function variants in ACADVL are known to be pathogenic (PMID: 9973285, 11590124). This variant is not present in population databases (ExAC no frequency). This variant has not been reported in the literature in individuals with ACADVL-related conditions. Algorithms developed to predict the effect of sequence changes on RNA splicing suggest that this variant may disrupt the consensus splice site, but this prediction has not been confirmed by published transcriptional studies. For these reasons, this variant has been classified as Pathogenic.

Literature cited by the submitters: PubMed 9973285; PubMed 11590124.

NM_000018.4(ACADVL):c.1739_1751del (p.Val580fs)

Gene: ACADVL (acyl-CoA dehydrogenase very long chain; plus strand). Cytogenetic location: 17p13.1.
Variant type: Deletion.
Coding change: c.1739_1751del on transcript NM_000018.4 (MANE Select); coding-DNA positions 1739 to 1751, 13 bases deleted (TGGTTCTCTCGAG).
Protein change: p.Val580fs; shifts the reading frame from valine 580.
Molecular consequence: frameshift variant.
Genome position (GRCh38, 1-based): chr17:7,224,702-7,224,714, TGGTTCTCTCGAG deleted; deleting any 13 consecutive bases within chr17:7,224,701-7,224,714 gives the same sequence; the c. name uses the placement nearest the transcript's 3' end. VCF-style (leftmost placement, unchanged base first): chr17-7224700-GGTGGTTCTCTCGA-G. GRCh37 (hg19) VCF-style: chr17-7128019-GGTGGTTCTCTCGA-G.
Other names: c.1673_1685del, p.Val558fs (NM_001033859.3); c.1808_1820del, p.Val603fs (NM_001270447.2); c.1511_1523del, p.Val504fs (NM_001270448.2); short protein forms V603fs, V580fs, V558fs, V504fs.
Identifiers: ClinVar variation 1457909 (VCV001457909.6), dbSNP rs2142990005, ClinGen allele CA2573154536.